The following is an entry in ClinVar:

ClinVar aggregate classification (germline): Uncertain significance (1 of 4 stars; one submission).

Submission:

CeGaT Center for Human Genetics Tuebingen
Classification: Uncertain significance. Last evaluated: 2024-01-01. Review status: criteria provided, single submitter. Criteria: CeGaT Center For Human Genetics Tuebingen Variant Classification Criteria Version 2. Collection method: clinical testing. Allele origin: germline. Affected: yes. Observed: 1 variant allele.
Comment: BRSK2: PM2, PM4, BS2

NM_001256627.2(BRSK2):c.1992_1993insTTCAGC (p.Ser664_Pro665insPheSer)

Gene: BRSK2 (BR serine/threonine kinase 2; plus strand). Cytogenetic location: 11p15.5.
Variant type: Insertion.
Coding change: c.1992_1993insTTCAGC on transcript NM_001256627.2 (MANE Select); coding-DNA positions 1992 to 1993, TTCAGC inserted.
Protein change: p.Ser664_Pro665insPheSer.
Molecular consequence: inframe insertion. On other transcripts: intron variant (4).
Genome position: GRCh38 VCF-style: chr11-1460500-G-GCAGCTT. GRCh37 (hg19) VCF-style: chr11-1481730-G-GCAGCTT.
Other names: c.*10-466_*10-465insTTCAGC (NM_001256629.2, NM_001282218.2); c.1988-466_1988-465insTTCAGC (NM_003957.4); c.2126-44_2126-43insTTCAGC (NM_001256630.1).
Identifiers: ClinVar variation 3026305 (VCV003026305.22), dbSNP rs2539849403, ClinGen allele CA2611898862.